The following is an entry in ClinVar:

NM_001376.5(DYNC1H1):c.7410G>A (p.Ala2470=)

Gene: DYNC1H1 (dynein cytoplasmic 1 heavy chain 1; plus strand). Cytogenetic location: 14q32.31.
Variant type: single nucleotide variant.
Coding change: c.7410G>A on transcript NM_001376.5 (MANE Select); coding-DNA position 7410, G replaced by A.
Protein change: p.Ala2470=; no amino-acid change (alanine 2470 retained).
Molecular consequence: synonymous variant.
Genome position (GRCh38, 1-based): chr14:102,016,023, G>A. VCF-style: chr14-102016023-G-A. GRCh37 (hg19) VCF-style: chr14-102482360-G-A.
Other names: p.Ala2470=.
Identifiers: ClinVar variation 312639 (VCV000312639.45), dbSNP rs139109090, ClinGen allele CA7352806.
Genomic context (GRCh38, chr14:102,016,023, plus strand): 5'-ACGCCTGCGCTGCCTGGGCTCGCTCTTCTCCATGCTGCACCAGGCCTGCCGCAACGTGGC[G>A]CAGTATAACGCCAACCATCCCGACTTCCCCATGCAGATCGAGCAGCTGGAGCGCTACATT-3'
Protein context (NP_001367.2, residues 2460-2480): SMLHQACRNV[Ala2470=]QYNANHPDFP

ClinVar aggregate classification (germline): Benign/Likely benign. Review status: criteria provided, multiple submitters, no conflicts (2 of 4 stars). 9 submissions from 8 submitters: Benign (7); Likely benign (2). Last evaluated 2026-02-02.

Conditions:
Autosomal dominant cerebellar ataxia. Also called: Spinocerebellar Ataxia, Dominant. Identifiers: Orphanet 99, MedGen C4087347, MONDO:0020380.
Charcot-Marie-Tooth disease. Also called: Charcot-Marie-Tooth Neuropathy; Charcot-Marie-Tooth Hereditary Neuropathy. Identifiers: Orphanet 166, MedGen C0007959, MONDO:0015626.
Charcot-Marie-Tooth disease axonal type 2O. Also called: Charcot-Marie-Tooth Neuropathy Type 2O; Charcot-Marie-Tooth disease, axonal, type 20; CHARCOT-MARIE-TOOTH NEUROPATHY, AXONAL, TYPE 2O; CHARCOT-MARIE-TOOTH DISEASE, AXONAL, AUTOSOMAL DOMINANT, TYPE 2O. Identifiers: Orphanet 284232, MedGen C3280220, MONDO:0013644, OMIM 614228.

Allele frequency attached by ClinVar (database versions not stated): TOPMed 0.00017; ESP Exome Variant Server 0.00054; 1000 Genomes Project 30x 0.00125; 1000 Genomes Project 0.00160; gnomAD 0.00548.
gnomAD v4.1: 2,047 of 1,613,592 alleles (0.13%); highest among the groups gnomAD compares: Non-Finnish European, 0.024%; 22 homozygotes.

Submissions (9):

Labcorp Genetics (formerly Invitae), Labcorp
Classification: Benign for Charcot-Marie-Tooth disease axonal type 2O. Last evaluated: 2026-02-02. Review status: criteria provided, single submitter. Criteria: Invitae Variant Classification Sherloc (09022015). Collection method: clinical testing. Allele origin: germline.

CeGaT Center for Human Genetics Tuebingen
Classification: Likely benign. Last evaluated: 2025-06-01. Review status: criteria provided, single submitter. Criteria: CeGaT Center For Human Genetics Tuebingen Variant Classification Criteria Version 2. Collection method: clinical testing. Allele origin: germline. Affected: yes. Observed: 2 variant alleles.
Comment: DYNC1H1: BP4, BP7

ARUP Laboratories, Molecular Genetics and Genomics, ARUP Laboratories
Classification: Benign. Last evaluated: 2023-02-21. Review status: criteria provided, single submitter. Criteria: ARUP Molecular Germline Variant Investigation Process 2024. Collection method: clinical testing. Allele origin: germline.

Genetic Services Laboratory, University of Chicago
Classification: Benign. Last evaluated: 2020-05-27. Review status: criteria provided, single submitter. Criteria: ACMG Guidelines, 2015. Collection method: clinical testing. Allele origin: germline. Affected: no.

Mayo Clinic Laboratories, Mayo Clinic
Classification: Benign. Last evaluated: 2018-05-17. Review status: criteria provided, single submitter. Criteria: ACMG Guidelines, 2015. Collection method: clinical testing. Allele origin: germline. Observed: 2 variant alleles.

Illumina Laboratory Services, Illumina
Classification: Likely benign for Charcot-Marie-Tooth disease axonal type 2O. Last evaluated: 2018-01-12. Review status: criteria provided, single submitter. Criteria: ICSL Variant Classification Criteria 13 December 2019. Collection method: clinical testing. Allele origin: germline.
Comment: This variant was observed in the ICSL laboratory as part of a predisposition screen in an ostensibly healthy population. It had not been previously curated by ICSL or reported in the Human Gene Mutation Database (HGMD: prior to June 1st, 2018), and was therefore a candidate for classification through an automated scoring system. Utilizing variant allele frequency, disease prevalence and penetrance estimates, and inheritance mode, an automated score was calculated to assess if this variant is too frequent to cause the disease. Based on the score and internal cut-off values, a variant classified as likely benign is not then subjected to further curation. The score for this variant resulted in a classification of likely benign for this disease.

Illumina Laboratory Services, Illumina
Classification: Benign for Spinocerebellar Ataxia, Dominant. Last evaluated: 2018-01-12. Review status: criteria provided, single submitter. Criteria: ICSL Variant Classification Criteria 13 December 2019. Collection method: clinical testing. Allele origin: germline.
Comment: This variant was observed in the ICSL laboratory as part of a predisposition screen in an ostensibly healthy population. It had not been previously curated by ICSL or reported in the Human Gene Mutation Database (HGMD: prior to June 1st, 2018), and was therefore a candidate for classification through an automated scoring system. Utilizing variant allele frequency, disease prevalence and penetrance estimates, and inheritance mode, an automated score was calculated to assess if this variant is too frequent to cause the disease. Based on the score and internal cut-off values, a variant classified as benign is not then subjected to further curation. The score for this variant resulted in a classification of benign for this disease.

GeneDx
Classification: Benign. Last evaluated: 2016-11-01. Review status: criteria provided, single submitter. Criteria: GeneDx Variant Classification (06012015). Collection method: clinical testing. Allele origin: germline. Affected: yes.
Comment: This variant is considered likely benign or benign based on one or more of the following criteria: it is a conservative change, it occurs at a poorly conserved position in the protein, it is predicted to be benign by multiple in silico algorithms, and/or has population frequency not consistent with disease.

Molecular Genetics Laboratory, London Health Sciences Centre
Classification: Benign for Charcot-Marie-Tooth disease. Review status: criteria provided, single submitter. Criteria: ACMG Guidelines, 2015. Collection method: clinical testing. Allele origin: germline. Affected: yes.